The following is an entry in ClinVar:

ClinVar aggregate classification (germline): Uncertain significance. Review status: criteria provided, multiple submitters, no conflicts (2 of 4 stars). 2 submissions from 2 submitters: Uncertain significance (2). Last evaluated 2025-08-08.

Conditions:
Multiple gastrointestinal atresias. Also called: Multiple intestinal atresia; FAMILIAL INTESTINAL POLYATRESIA SYNDROME. Identifiers: Orphanet 2300, MedGen C0220744, MONDO:0009465.
Inborn genetic diseases. Identifiers: MedGen C0950123, MeSH D030342.

Allele frequency attached by ClinVar (database versions not stated): gnomAD exomes 0.00001.
gnomAD v4.1: 4 of 1,613,826 alleles (0.00025%); highest among the groups gnomAD compares: Admixed American, 0.0017%; no homozygotes.

Submissions (2):

Ambry Genetics
Classification: Uncertain significance for Inborn genetic diseases. Last evaluated: 2025-08-08. Review status: criteria provided, single submitter. Criteria: Ambry Variant Classification Scheme 2023. Collection method: clinical testing. Allele origin: germline.

Labcorp Genetics (formerly Invitae), Labcorp
Classification: Uncertain significance for Multiple gastrointestinal atresias. Last evaluated: 2022-08-09. Review status: criteria provided, single submitter. Criteria: Invitae Variant Classification Sherloc (09022015). Collection method: clinical testing. Allele origin: germline.
Comment: This sequence change replaces glutamine, which is neutral and polar, with arginine, which is basic and polar, at codon 809 of the TTC7A protein (p.Gln809Arg). This variant is present in population databases (no rsID available, gnomAD 0.003%). In summary, the available evidence is currently insufficient to determine the role of this variant in disease. Therefore, it has been classified as a Variant of Uncertain Significance. Algorithms developed to predict the effect of missense changes on protein structure and function (SIFT, PolyPhen-2, Align-GVGD) all suggest that this variant is likely to be tolerated. ClinVar contains an entry for this variant (Variation ID: 1062406). This variant has not been reported in the literature in individuals affected with TTC7A-related conditions.

NM_020458.4(TTC7A):c.2426A>G (p.Gln809Arg)

Gene: TTC7A (tetratricopeptide repeat domain 7A; plus strand). Cytogenetic location: 2p21.
Variant type: single nucleotide variant.
Coding change: c.2426A>G on transcript NM_020458.4 (MANE Select); coding-DNA position 2426, A replaced by G.
Protein change: p.Gln809Arg; replaces glutamine 809 with arginine.
Molecular consequence: missense variant.
Genome position (GRCh38, 1-based): chr2:47,073,772, A>G. VCF-style: chr2-47073772-A-G. GRCh37 (hg19) VCF-style: chr2-47300911-A-G.
Other names: c.2426A>G (NM_020458.2); c.2498A>G, p.Gln833Arg (NM_001288951.2); c.2324A>G, p.Gln775Arg (NM_001288953.2); c.1364A>G, p.Gln455Arg (NM_001288955.2); short protein forms Q455R, Q775R, Q809R, Q833R.
Identifiers: ClinVar variation 1062406 (VCV001062406.9), dbSNP rs1406499363, ClinGen allele CA346717839.
Genomic context (GRCh38, chr2:47,073,772, plus strand): 5'-TGAGTCGGCTGGGCCACAAGAGCTTGGCCCAGAAGGTGCTTCGTGATGCCGTGGAGAGGC[A>G]GAGTACGTGCCACGAGGCGTGGCAGGGCCTGGGCGAGGTGCTGCAGGCCCAGGGCCAGAA-3'
Protein context (NP_065191.2, residues 799-819): QKVLRDAVER[Gln809Arg]STCHEAWQGL